The following is an entry in ClinVar:

NM_014003.4(DHX38):c.95C>T (p.Ala32Val)

Gene: DHX38 (DEAH-box helicase 38; plus strand). Cytogenetic location: 16q22.2.
Variant type: single nucleotide variant.
Coding change: c.95C>T on transcript NM_014003.4 (MANE Select); coding-DNA position 95, C replaced by T.
Protein change: p.Ala32Val; replaces alanine 32 with valine.
Molecular consequence: missense variant.
Genome position (GRCh38, 1-based): chr16:72,096,252, C>T. VCF-style: chr16-72096252-C-T. GRCh37 (hg19) VCF-style: chr16-72130151-C-T.
Other names: short protein forms A32V.
Identifiers: ClinVar variation 1419805 (VCV001419805.8), dbSNP rs867897120, ClinGen allele CA283672100.

ClinVar aggregate classification (germline): Uncertain significance (1 of 4 stars; one submission).

Allele frequency attached by ClinVar (database versions not stated): gnomAD 0.00001 and 0.00002; gnomAD exomes 0.00001; TOPMed 0.00001.
gnomAD v4.1: 15 of 1,614,060 alleles (0.00093%); highest among the groups gnomAD compares: Admixed American, 0.005%; no homozygotes.

Submission:

Labcorp Genetics (formerly Invitae), Labcorp
Classification: Uncertain significance. Last evaluated: 2023-04-24. Review status: criteria provided, single submitter. Criteria: Invitae Variant Classification Sherloc (09022015). Collection method: clinical testing. Allele origin: germline.
Comment: This sequence change replaces alanine, which is neutral and non-polar, with valine, which is neutral and non-polar, at codon 32 of the DHX38 protein (p.Ala32Val). This variant is present in population databases (no rsID available, gnomAD 0.006%). This variant has not been reported in the literature in individuals affected with DHX38-related conditions. ClinVar contains an entry for this variant (Variation ID: 1419805). An algorithm developed to predict the effect of missense changes on protein structure and function (PolyPhen-2) suggests that this variant is likely to be tolerated. In summary, the available evidence is currently insufficient to determine the role of this variant in disease. Therefore, it has been classified as a Variant of Uncertain Significance.